The following is an entry in ClinVar:

NM_001278512.2(AP3B2):c.2398G>A (p.Glu800Lys)

Genes: AP3B2 (adaptor related protein complex 3 subunit beta 2; minus strand), CPEB1-AS1 (CPEB1 antisense RNA 1; plus strand). Cytogenetic location: 15q25.2.
Variant type: single nucleotide variant.
Coding change: c.2398G>A on transcript NM_001278512.2 (MANE Select); coding-DNA position 2398, G replaced by A.
Protein change: p.Glu800Lys; replaces glutamic acid 800 with lysine.
Molecular consequence: missense variant.
Genome position (GRCh38, 1-based): chr15:82,663,839, C>T on the plus strand (G>A on the coding strand, the complement: AP3B2 is on the minus strand). VCF-style: chr15-82663839-C-T. GRCh37 (hg19) VCF-style: chr15-83332591-C-T.
Other names: c.2245G>A, p.Glu749Lys (NM_001278511.2); c.2341G>A, p.Glu781Lys (NM_004644.5); short protein forms E800K, E749K, E781K.
Identifiers: ClinVar variation 2170500 (VCV002170500.4), dbSNP rs771428357, ClinGen allele CA7699931.

ClinVar aggregate classification (germline): Uncertain significance (1 of 4 stars; one submission).

Allele frequency attached by ClinVar (database versions not stated): gnomAD 0.00001; gnomAD exomes 0.00001; ExAC 0.00003.
gnomAD v4.1: 16 of 1,613,786 alleles (0.00099%); highest among the groups gnomAD compares: Middle Eastern, 0.016%; no homozygotes.

Submission:

Labcorp Genetics (formerly Invitae), Labcorp
Classification: Uncertain significance. Last evaluated: 2023-02-16. Review status: criteria provided, single submitter. Criteria: Invitae Variant Classification Sherloc (09022015). Collection method: clinical testing. Allele origin: germline.
Comment: This sequence change replaces glutamic acid, which is acidic and polar, with lysine, which is basic and polar, at codon 781 of the AP3B2 protein (p.Glu781Lys). This variant is present in population databases (rs771428357, gnomAD 0.003%). This variant has not been reported in the literature in individuals affected with AP3B2-related conditions. An algorithm developed to predict the effect of missense changes on protein structure and function (PolyPhen-2) suggests that this variant is likely to be tolerated. In summary, the available evidence is currently insufficient to determine the role of this variant in disease. Therefore, it has been classified as a Variant of Uncertain Significance.